The following is an entry in ClinVar:

ClinVar aggregate classification (germline): Likely benign (1 of 4 stars; one submission).

gnomAD v4.1: 10 of 1,611,166 alleles (0.00062%); highest among the groups gnomAD compares: Non-Finnish European, 0.00085%; no homozygotes.

Submission:

CeGaT Center for Human Genetics Tuebingen
Classification: Likely benign. Last evaluated: 2025-05-01. Review status: criteria provided, single submitter. Criteria: CeGaT Center For Human Genetics Tuebingen Variant Classification Criteria Version 2. Collection method: clinical testing. Allele origin: germline. Affected: yes. Observed: 1 variant allele.
Comment: KIF14: BP4, BP7

NM_014875.3(KIF14):c.2412T>G (p.Val804=)

Gene: KIF14 (kinesin family member 14; minus strand). Cytogenetic location: 1q32.1.
Variant type: single nucleotide variant.
Coding change: c.2412T>G on transcript NM_014875.3 (MANE Select); coding-DNA position 2412, T replaced by G.
Protein change: p.Val804=; no amino-acid change (valine 804 retained).
Molecular consequence: synonymous variant.
Genome position (GRCh38, 1-based): chr1:200,598,374, A>C on the plus strand (T>G on the coding strand, the complement: KIF14 is on the minus strand). VCF-style: chr1-200598374-A-C. GRCh37 (hg19) VCF-style: chr1-200567502-A-C.
Other names: c.939T>G, p.Val313= (NM_001305792.1).
Identifiers: ClinVar variation 3905557 (VCV003905557.10).